The following is an entry in ClinVar:

ClinVar aggregate classification (germline): Uncertain significance (1 of 4 stars; one submission).

Conditions:
Hereditary cancer-predisposing syndrome. Also called: Tumor predisposition; Hereditary neoplastic syndrome; Hereditary Cancer Syndrome; Neoplastic Syndromes, Hereditary. Identifiers: Orphanet 140162, MedGen C0027672, MeSH D009386, MONDO:0015356.

Submission:

Ambry Genetics
Classification: Uncertain significance for Hereditary cancer-predisposing syndrome. Last evaluated: 2025-06-10. Review status: criteria provided, single submitter. Criteria: Ambry Variant Classification Scheme 2023. Collection method: clinical testing. Allele origin: germline.
Comment: The p.I99S variant (also known as c.296T>G), located in coding exon 3 of the SMARCB1 gene, results from a T to G substitution at nucleotide position 296. The isoleucine at codon 99 is replaced by serine, an amino acid with dissimilar properties. This amino acid position is conserved. In addition, this alteration is predicted to be deleterious by in silico analysis. Based on the available evidence, the clinical significance of this variant remains unclear.

NM_003073.5(SMARCB1):c.296T>G (p.Ile99Ser)

Gene: SMARCB1 (SWI/SNF related BAF chromatin remodeling complex subunit B1; plus strand). Cytogenetic location: 22q11.23.
Variant type: single nucleotide variant.
Coding change: c.296T>G on transcript NM_003073.5 (MANE Select); coding-DNA position 296, T replaced by G.
Protein change: p.Ile99Ser; replaces isoleucine 99 with serine.
Molecular consequence: missense variant.
Genome position (GRCh38, 1-based): chr22:23,793,622, T>G. VCF-style: chr22-23793622-T-G. GRCh37 (hg19) VCF-style: chr22-24135809-T-G.
Other names: c.269T>G, p.Ile90Ser (NM_001007468.3, NM_001317946.2); c.296T>G, p.Ile99Ser (NM_001362877.2); short protein forms I90S, I99S.
Identifiers: ClinVar variation 3958537 (VCV003958537.1).